The following is an entry in ClinVar:

NM_005629.4(SLC6A8):c.1393-19A>G

Gene: SLC6A8 (solute carrier family 6 member 8; plus strand). Cytogenetic location: Xq28.
Variant type: single nucleotide variant.
Coding change: c.1393-19A>G on transcript NM_005629.4 (MANE Select); 19 bases into the intron before coding-DNA position 1393, A replaced by G.
Molecular consequence: intron variant.
Genome position (GRCh38, 1-based): chrX:153,694,325, A>G. VCF-style: chrX-153694325-A-G. GRCh37 (hg19) VCF-style: chrX-152959780-A-G.
Other names: c.1363-19A>G (NM_001142805.2); c.1048-19A>G (NM_001142806.1).
Identifiers: ClinVar variation 2017131 (VCV002017131.4), dbSNP rs2522167096, ClinGen allele CA2580101717.

ClinVar aggregate classification (germline): Uncertain significance (1 of 4 stars; one submission).

Conditions:
Creatine transporter deficiency (CCDS1). Also called: CEREBRAL CREATINE DEFICIENCY SYNDROME 1; Creatine Transporter (CRTR) Deficiency; Mental retardation , X-linked with seizures, short stature and midface hypoplasia; Mental retardation , X-linked, with creatine transport deficiency; X-linked creatine transporter deficiency; X-linked creatine deficiency syndrome. Identifiers: Orphanet 52503, MedGen C1845862, MONDO:0010305, OMIM 300352.

Submission:

Labcorp Genetics (formerly Invitae), Labcorp
Classification: Uncertain significance for Creatine transporter deficiency. Last evaluated: 2022-11-04. Review status: criteria provided, single submitter. Criteria: Invitae Variant Classification Sherloc (09022015). Collection method: clinical testing. Allele origin: germline.
Comment: In summary, the available evidence is currently insufficient to determine the role of this variant in disease. Therefore, it has been classified as a Variant of Uncertain Significance. Algorithms developed to predict the effect of sequence changes on RNA splicing suggest that this variant may disrupt the consensus splice site. This variant has not been reported in the literature in individuals affected with SLC6A8-related conditions. This variant is not present in population databases (gnomAD no frequency). This sequence change falls in intron 9 of the SLC6A8 gene. It does not directly change the encoded amino acid sequence of the SLC6A8 protein.